The following is an entry in ClinVar:

ClinVar aggregate classification (germline): Uncertain significance (1 of 4 stars; one submission).

Conditions:
Congenital myotonia, autosomal dominant form (THD). Also called: THOMSEN DISEASE; Myotonia congenita autosomal dominant. Identifiers: Orphanet 614, MedGen C2936781, MONDO:0008055, OMIM 160800.
Congenital myotonia, autosomal recessive form. Also called: BECKER DISEASE; Becker Generalized Myotonia; myotonia congenita, autosomal recessive. Identifiers: Orphanet 614, MedGen C0751360, MONDO:0009715, OMIM 255700.

Submission:

Labcorp Genetics (formerly Invitae), Labcorp
Classification: Uncertain significance for Congenital myotonia, autosomal recessive form; Congenital myotonia, autosomal dominant form. Last evaluated: 2024-12-23. Review status: criteria provided, single submitter. Criteria: Invitae Variant Classification Sherloc (09022015). Collection method: clinical testing. Allele origin: germline.
Comment: This sequence change replaces phenylalanine, which is neutral and non-polar, with cysteine, which is neutral and slightly polar, at codon 311 of the CLCN1 protein (p.Phe311Cys). This variant is not present in population databases (gnomAD no frequency). This missense change has been observed in individual(s) with autosomal recessive myotonia congenita (internal data). In at least one individual the data is consistent with being in trans (on the opposite chromosome) from a pathogenic variant. ClinVar contains an entry for this variant (Variation ID: 638963). Invitae Evidence Modeling of protein sequence and biophysical properties (such as structural, functional, and spatial information, amino acid conservation, physicochemical variation, residue mobility, and thermodynamic stability) has been performed for this missense variant. However, the output from this modeling did not meet the statistical confidence thresholds required to predict the impact of this variant on CLCN1 protein function. In summary, the available evidence is currently insufficient to determine the role of this variant in disease. Therefore, it has been classified as a Variant of Uncertain Significance.

NM_000083.3(CLCN1):c.932T>G (p.Phe311Cys)

Gene: CLCN1 (chloride voltage-gated channel 1; plus strand). Cytogenetic location: 7q34.
Variant type: single nucleotide variant.
Coding change: c.932T>G on transcript NM_000083.3 (MANE Select); coding-DNA position 932, T replaced by G.
Protein change: p.Phe311Cys; replaces phenylalanine 311 with cysteine.
Molecular consequence: missense variant. On other transcripts: non-coding transcript variant (1).
Genome position (GRCh38, 1-based): chr7:143,330,850, T>G. VCF-style: chr7-143330850-T-G. GRCh37 (hg19) VCF-style: chr7-143027943-T-G.
Other names: short protein forms F311C.
Identifiers: ClinVar variation 638963 (VCV000638963.8), dbSNP rs1586496817, ClinGen allele CA369641653.